The following is an entry in ClinVar:

NM_013336.4(SEC61A1):c.980C>T (p.Thr327Met)

Genes: RUVBL1 (RuvB like AAA ATPase 1; minus strand), SEC61A1 (SEC61 translocon subunit alpha 1; plus strand). Cytogenetic location: 3q21.3.
Variant type: single nucleotide variant.
Coding change: c.980C>T on transcript NM_013336.4 (MANE Select); coding-DNA position 980, C replaced by T.
Protein change: p.Thr327Met; replaces threonine 327 with methionine.
Molecular consequence: missense variant. On other transcripts: intron variant (1).
Genome position (GRCh38, 1-based): chr3:128,067,425, C>T. VCF-style: chr3-128067425-C-T. GRCh37 (hg19) VCF-style: chr3-127786268-C-T.
Other names: c.998C>T, p.Thr333Met (NM_001400328.1); c.821C>T, p.Thr274Met (NM_001400329.1); c.940-2205G>A (NM_001319086.1); short protein forms T327M, T274M, T333M.
Identifiers: ClinVar variation 1943544 (VCV001943544.5), dbSNP rs1942014236, ClinGen allele CA354400276.

ClinVar aggregate classification (germline): Uncertain significance. Review status: criteria provided, multiple submitters, no conflicts (2 of 4 stars). 2 submissions from 2 submitters: Uncertain significance (2). Last evaluated 2025-02-06.

Conditions:
Inborn genetic diseases. Identifiers: MedGen C0950123, MeSH D030342.

Allele frequency attached by ClinVar (database versions not stated): TOPMed below 0.00001; gnomAD exomes 0.00001.
gnomAD v4.1: 7 of 1,610,574 alleles (0.00043%); highest among the groups gnomAD compares: Non-Finnish European, 0.00059%; no homozygotes.

Submissions (2):

Ambry Genetics
Classification: Uncertain significance for Inborn genetic diseases. Last evaluated: 2025-02-06. Review status: criteria provided, single submitter. Criteria: Ambry Variant Classification Scheme 2023. Collection method: clinical testing. Allele origin: germline.

Labcorp Genetics (formerly Invitae), Labcorp
Classification: Uncertain significance. Last evaluated: 2022-02-02. Review status: criteria provided, single submitter. Criteria: Invitae Variant Classification Sherloc (09022015). Collection method: clinical testing. Allele origin: germline.
Comment: In summary, the available evidence is currently insufficient to determine the role of this variant in disease. Therefore, it has been classified as a Variant of Uncertain Significance. Algorithms developed to predict the effect of missense changes on protein structure and function (SIFT, PolyPhen-2, Align-GVGD) all suggest that this variant is likely to be tolerated. This variant has not been reported in the literature in individuals affected with SEC61A1-related conditions. This variant is not present in population databases (gnomAD no frequency). This sequence change replaces threonine, which is neutral and polar, with methionine, which is neutral and non-polar, at codon 327 of the SEC61A1 protein (p.Thr327Met).